The following is an entry in ClinVar:

NM_000548.5(TSC2):c.2746del (p.Leu916fs)

Gene: TSC2 (TSC complex subunit 2; plus strand). Cytogenetic location: 16p13.3.
Variant type: Deletion.
Coding change: c.2746del on transcript NM_000548.5 (MANE Select); coding-DNA position 2746, one base deleted (C; older notation c.2746delC).
Protein change: p.Leu916fs; shifts the reading frame from leucine 916.
Molecular consequence: frameshift variant.
Genome position (GRCh38, 1-based): chr16:2,076,494, C deleted; the last of 2 consecutive C bases (chr16:2,076,493-2,076,494); deleting either gives the same sequence. VCF-style (leftmost placement, unchanged base first): chr16-2076492-GC-G. GRCh37 (hg19) VCF-style: chr16-2126493-GC-G.
Other names: c.2746del, p.Leu916fs (NM_001077183.3, NM_001114382.3, NM_001363528.2 and 3 more transcripts); c.2635del, p.Leu879fs (NM_001318827.2); c.2599del, p.Leu867fs (NM_001318829.2); c.2146del, p.Leu716fs (NM_001318831.2); c.2779del, p.Leu927fs (NM_001318832.2); c.2746delC, p.Leu916Cysfs (NM_001406663.1, NM_001406664.1, NM_001406665.1); c.2836delC, p.Leu946Cysfs (NM_001406667.1, NM_001406668.1); c.2635delC, p.Leu879Cysfs (NM_001406670.1, NM_001406678.1); and 7 more; short protein forms L716fs, L916fs, L867fs, L879fs, L927fs.
Identifiers: ClinVar variation 2127845 (VCV002127845.4), dbSNP rs2543928320, ClinGen allele CA2580090878.

ClinVar aggregate classification (germline): Pathogenic (1 of 4 stars; one submission).

Conditions:
Tuberous sclerosis 2 (TSC2). Identifiers: Orphanet 805, MedGen C1860707, MONDO:0013199, OMIM 613254.

Submission:

Labcorp Genetics (formerly Invitae), Labcorp
Classification: Pathogenic for Tuberous sclerosis 2. Last evaluated: 2022-04-18. Review status: criteria provided, single submitter. Criteria: Invitae Variant Classification Sherloc (09022015). Collection method: clinical testing. Allele origin: germline.
Comment: For these reasons, this variant has been classified as Pathogenic. This variant has not been reported in the literature in individuals affected with TSC2-related conditions. This variant is not present in population databases (gnomAD no frequency). This sequence change creates a premature translational stop signal (p.Leu916Cysfs*32) in the TSC2 gene. It is expected to result in an absent or disrupted protein product. Loss-of-function variants in TSC2 are known to be pathogenic (PMID: 10205261, 17304050).

Literature cited by the submitters: PubMed 10205261; PubMed 17304050.